The following is an entry in ClinVar:

ClinVar aggregate classification (germline): Pathogenic (1 of 4 stars; one submission).

Conditions:
Alagille syndrome due to a JAG1 point mutation. Also called: JAG1-Related Alagille Syndrome; HEPATIC DUCTULAR HYPOPLASIA, SYNDROMATIC; Alagille Syndrome 1. Identifiers: Orphanet 261619, Orphanet 52, MedGen C1956125, MONDO:0016862, OMIM 118450.

Submission:

Labcorp Genetics (formerly Invitae), Labcorp
Classification: Pathogenic for Alagille syndrome due to a JAG1 point mutation. Last evaluated: 2024-11-27. Review status: criteria provided, single submitter. Criteria: Invitae Variant Classification Sherloc (09022015). Collection method: clinical testing. Allele origin: germline.
Comment: This sequence change inserts a large fragment of DNA, likely a transposable element, in exon 24 of the JAG1 gene (c.3042_3043ins?), causing a frameshift at codon 1015 (p.Ala1015fs). The exact size and sequence of the insertion cannot be determined by the current assay. However, the insertion is expected to result in an absent or disrupted protein product. This variant is not present in population databases (gnomAD no frequency). This variant has not been reported in the literature in individuals affected with JAG1-related conditions. Retrotransposon insertions including LINE1 (L1), Alu, and SVA (SINE-VNTR-Alu) have been reported to be disease-causing through disruption of either a coding region or splice site (PMID: 19763152, 20307669, 22406018) and loss-of-function variants in JAG1 are known to be pathogenic (PMID: 11180599). For these reasons, this variant has been classified as Pathogenic.

Literature cited by the submitters: PubMed 19763152; PubMed 20307669; PubMed 22406018; PubMed 11180599.

NM_000214.3(JAG1):c.3042_3043insAAATGGATACATTCCTCGACACATACACTCTCCCAAGACTAAACCAGGAAGAAGTTGAATCTCTGAATAGACCANNNNNNNNNNAAAAAAAAAAAAAAAAAAAAGAAATACATGTG (p.Ala1015delinsLysTrpIleHisSerSerThrHisThrLeuSerGlnAspTer)

Gene: JAG1 (jagged canonical Notch ligand 1; minus strand). Cytogenetic location: 20p12.2.
Variant type: Microsatellite.
Coding change: c.3042_3043insAAATGGATACATTCCTCGACACATACACTCTCCCAAGACTAAACCAGGAAGAAGTTGAATCTCTGAATAGACCANNNNNNNNNNAAAAAAAAAAAAAAAAAAAAGAAATACATGTG on transcript NM_000214.3 (MANE Select); coding-DNA positions 3042 to 3043, AAATGGATACATTCCTCGACACATACACTCTCCCAAGACTAAACCAGGAAGAAGTTGAATCTCTGAATAGACCANNNNNNNNNNAAAAAAAAAAAAAAAAAAAAGAAATACATGTG inserted.
Protein change: p.Ala1015delinsLysTrpIleHisSerSerThrHisThrLeuSerGlnAspTer.
Molecular consequence: nonsense.
Genome position: GRCh38: chr20:10,641,119-10,641,130. GRCh37 (hg19), VCF-style position (the base before the change): chr20:10,621,766.
Identifiers: ClinVar variation 3726266 (VCV003726266.2).